The following is an entry in ClinVar:

ClinVar aggregate classification (germline): Likely benign (1 of 4 stars; one submission).

Allele frequency attached by ClinVar (database versions not stated): gnomAD 0.00745 and 0.00807; 1000 Genomes Project 30x 0.00796; 1000 Genomes Project 0.01538.
gnomAD v4.1: 881 of 119,558 alleles (0.74%); highest among the groups gnomAD compares: African/African-American, 2.5%; 6 homozygotes.

Submission:

GeneDx
Classification: Likely benign. Last evaluated: 2018-06-19. Review status: criteria provided, single submitter. Criteria: GeneDx Variant Classification (06012015). Collection method: clinical testing. Allele origin: germline. Affected: yes.
Comment: This variant is considered likely benign or benign based on one or more of the following criteria: it is a conservative change, it occurs at a poorly conserved position in the protein, it is predicted to be benign by multiple in silico algorithms, and/or has population frequency not consistent with disease.

NM_014795.4(ZEB2):c.593-240C>A

Gene: ZEB2 (zinc finger E-box binding homeobox 2; minus strand). Cytogenetic location: 2q22.3.
Variant type: single nucleotide variant.
Coding change: c.593-240C>A on transcript NM_014795.4 (MANE Select); 240 bases into the intron before coding-DNA position 593, C replaced by A.
Molecular consequence: intron variant.
Genome position (GRCh38, 1-based): chr2:144,404,370, G>T on the plus strand (C>A on the coding strand, the complement: ZEB2 is on the minus strand). VCF-style: chr2-144404370-G-T. GRCh37 (hg19) VCF-style: chr2-145161937-G-T.
Other names: c.521-240C>A (NM_001171653.2).
Identifiers: ClinVar variation 675466 (VCV000675466.1), dbSNP rs533539613, ClinGen allele CA57562207.
Genomic context (GRCh38, chr2:144,404,370, plus strand): 5'-GTCGGAATCAGCTCACACTGTGCTCAAAAATTAATTAATTACTTCAGGTTTTTTTTTTTT[G>T]GGGGGGTGGGGGGGACTTAAACAGCTGATAAATGAGGAAATTCTCTTTAGGTGACTGACA-3'